The following is an entry in ClinVar:

NM_014727.3(KMT2B):c.4312G>C (p.Asp1438His)

Gene: KMT2B (lysine methyltransferase 2B; plus strand). Cytogenetic location: 19q13.12.
Variant type: single nucleotide variant.
Coding change: c.4312G>C on transcript NM_014727.3 (MANE Select); coding-DNA position 4312, G replaced by C.
Protein change: p.Asp1438His; replaces aspartic acid 1438 with histidine.
Molecular consequence: missense variant.
Genome position (GRCh38, 1-based): chr19:35,727,707, G>C. VCF-style: chr19-35727707-G-C. GRCh37 (hg19) VCF-style: chr19-36218608-G-C.
Other names: short protein forms D1438H.
Identifiers: ClinVar variation 2416197 (VCV002416197.8), dbSNP rs758776237, ClinGen allele CA9385043.

ClinVar aggregate classification (germline): Conflicting classifications of pathogenicity. Review status: criteria provided, conflicting classifications (1 of 4 stars). 2 submissions from 2 submitters: Uncertain significance (1); Likely benign (1). Last evaluated 2025-11-07.

Conditions:
Dystonia 28, childhood-onset (DYT28). Also called: KMT2B-Related Dystonia (DYT-KMT2B). Identifiers: Orphanet 589618, MedGen C4310633, MONDO:0015004, OMIM 617284.

Allele frequency attached by ClinVar (database versions not stated): TOPMed 0.00001.
gnomAD v4.1: 9 of 1,613,756 alleles (0.00056%); highest among the groups gnomAD compares: Admixed American, 0.012%; no homozygotes.

Submissions (2):

Dasa
Classification: Uncertain significance for Dystonia 28, childhood-onset. Last evaluated: 2025-11-07. Review status: criteria provided, single submitter. Criteria: DASA Assertion Criteria. Collection method: clinical testing. Allele origin: germline.
Comment: NM_014727.3(KMT2B):c.4312G>C (p.Asp1438His) is a missense variant that results in the substitution of aspartic acid with histidine. This variant is rare in population databases. The currently available literature and clinical evidence are not sufficient to establish a definitive association between this variant and the reported condition. Therefore, this variant is classified as a variant of uncertain significance.

Labcorp Genetics (formerly Invitae), Labcorp
Classification: Likely benign. Last evaluated: 2023-07-10. Review status: criteria provided, single submitter. Criteria: Invitae Variant Classification Sherloc (09022015). Collection method: clinical testing. Allele origin: germline.